The following is an entry in ClinVar:

NM_001369.3(DNAH5):c.2122G>T (p.Val708Leu)

Genes: DNAH5 (dynein axonemal heavy chain 5; minus strand), DNAH5-AS1 (DNAH5 antisense RNA 1; plus strand). Cytogenetic location: 5p15.2.
Variant type: single nucleotide variant.
Coding change: c.2122G>T on transcript NM_001369.3 (MANE Select); coding-DNA position 2122, G replaced by T.
Protein change: p.Val708Leu; replaces valine 708 with leucine.
Molecular consequence: missense variant.
Genome position (GRCh38, 1-based): chr5:13,900,343, C>A on the plus strand (G>T on the coding strand, the complement: DNAH5 is on the minus strand). VCF-style: chr5-13900343-C-A. GRCh37 (hg19) VCF-style: chr5-13900452-C-A.
Other names: short protein forms V708L.
Identifiers: ClinVar variation 903683 (VCV000903683.7), dbSNP rs779509527, ClinGen allele CA3204652.
Genomic context (GRCh38, chr5:13,900,343, plus strand): 5'-CCATCTGGGCCATGCACTCTGTTTCTCTAAATAAGATTAATATCTGAGGGTCAAAGTTTA[C>A]AAACAATTCCCCTGTGCCTGGAGCCTTCACCAATAATGAAGCCTCAAGACCTACATGAAT-3'
Protein context (NP_001360.1, residues 698-718): VKAPGTGELF[Val708Leu]NFDPQILILF

ClinVar aggregate classification (germline): Uncertain significance. Review status: criteria provided, multiple submitters, no conflicts (2 of 4 stars). 3 submissions from 3 submitters: Uncertain significance (3). Last evaluated 2024-05-10.

Conditions:
Primary ciliary dyskinesia. Also called: Ciliary dyskinesia. Identifiers: Orphanet 244, MedGen C0008780, MONDO:0016575, HP:0012265.
Primary ciliary dyskinesia 3. Identifiers: Orphanet 244, MedGen C1837618, MONDO:0012085, OMIM 608644.

Allele frequency attached by ClinVar (database versions not stated): gnomAD exomes 0.00001 and 0.00002; TOPMed 0.00001; ExAC 0.00002; gnomAD 0.00002.
gnomAD v4.1: 27 of 1,614,060 alleles (0.0017%); highest among the groups gnomAD compares: Non-Finnish European, 0.0021%; no homozygotes.

Submissions (3):

Ambry Genetics
Classification: Uncertain significance for Primary ciliary dyskinesia. Last evaluated: 2024-05-10. Review status: criteria provided, single submitter. Criteria: Ambry Variant Classification Scheme 2023. Collection method: clinical testing. Allele origin: germline.
Comment: The p.V708L variant (also known as c.2122G>T), located in coding exon 15 of the DNAH5 gene, results from a G to T substitution at nucleotide position 2122. The valine at codon 708 is replaced by leucine, an amino acid with highly similar properties. This amino acid position is conserved. In addition, the in silico prediction for this alteration is inconclusive. Based on the available evidence, the clinical significance of this variant remains unclear.

Labcorp Genetics (formerly Invitae), Labcorp
Classification: Uncertain significance for Primary ciliary dyskinesia. Last evaluated: 2022-01-16. Review status: criteria provided, single submitter. Criteria: Invitae Variant Classification Sherloc (09022015). Collection method: clinical testing. Allele origin: germline.
Comment: This sequence change replaces valine, which is neutral and non-polar, with leucine, which is neutral and non-polar, at codon 708 of the DNAH5 protein (p.Val708Leu). This variant is present in population databases (rs779509527, gnomAD 0.003%). This variant has not been reported in the literature in individuals affected with DNAH5-related conditions. ClinVar contains an entry for this variant (Variation ID: 903683). Advanced modeling of protein sequence and biophysical properties (such as structural, functional, and spatial information, amino acid conservation, physicochemical variation, residue mobility, and thermodynamic stability) performed at Invitae indicates that this missense variant is not expected to disrupt DNAH5 protein function. In summary, the available evidence is currently insufficient to determine the role of this variant in disease. Therefore, it has been classified as a Variant of Uncertain Significance.

Illumina Laboratory Services, Illumina
Classification: Uncertain significance for Primary ciliary dyskinesia 3. Last evaluated: 2018-01-12. Review status: criteria provided, single submitter. Criteria: ICSL Variant Classification Criteria 13 December 2019. Collection method: clinical testing. Allele origin: germline.